The following is an entry in ClinVar:

NM_004990.4(MARS1):c.1108T>C (p.Phe370Leu)

Gene: MARS1 (methionyl-tRNA synthetase 1; plus strand). Cytogenetic location: 12q13.3.
Variant type: single nucleotide variant.
Coding change: c.1108T>C on transcript NM_004990.4 (MANE Select); coding-DNA position 1108, T replaced by C.
Protein change: p.Phe370Leu; replaces phenylalanine 370 with leucine.
Molecular consequence: missense variant.
Genome position (GRCh38, 1-based): chr12:57,500,337, T>C. VCF-style: chr12-57500337-T-C. GRCh37 (hg19) VCF-style: chr12-57894120-T-C.
Other names: short protein forms F370L.
Identifiers: ClinVar variation 68463 (VCV000068463.14), dbSNP rs140467171, ClinGen allele CA145177.
Genomic context (GRCh38, chr12:57,500,337, plus strand): 5'-CGTCTTCTGACTGTCTCTTCCTGATCCCTGGCCCACCTCACCAGAATCACCCAGGACATT[T>C]TCCAGCAGTTGCTGAAACGAGGTTTTGTGCTGCAAGATACTGTGGAGCAACTGCGATGTG-3'
Protein context (NP_004981.2, residues 360-380): PQQTKITQDI[Phe370Leu]QQLLKRGFVL

ClinVar aggregate classification (germline): Conflicting classifications of pathogenicity. Review status: criteria provided, conflicting classifications (1 of 4 stars). 6 submissions from 6 submitters: Likely pathogenic (2); Uncertain significance (3). 1 of the submissions does not count toward it. Last evaluated 2025-06-29.

Conditions:
Charcot-Marie-Tooth disease. Also called: Charcot-Marie-Tooth Neuropathy; Charcot-Marie-Tooth Hereditary Neuropathy. Identifiers: Orphanet 166, MedGen C0007959, MONDO:0015626.
Severe early-onset pulmonary alveolar proteinosis due to MARS deficiency. Also called: PULMONARY ALVEOLAR PROTEINOSIS, REUNION ISLAND; Interstitial lung and liver disease. Identifiers: Orphanet 440427, MedGen C4225400, MONDO:0014206, OMIM 615486.
MARS-related disorder.
Charcot-Marie-Tooth disease axonal type 2U. Also called: CHARCOT-MARIE-TOOTH NEUROPATHY, TYPE 2U; CHARCOT-MARIE-TOOTH DISEASE, AXONAL, AUTOSOMAL DOMINANT, TYPE 2U. Identifiers: Orphanet 397735, MedGen C4084821, MONDO:0014566, OMIM 616280.

Allele frequency attached by ClinVar (database versions not stated): ExAC 0.00003; gnomAD exomes 0.00003; ESP Exome Variant Server 0.00008; gnomAD 0.00001; TOPMed 0.00001.
gnomAD v4.1: 44 of 1,614,074 alleles (0.0027%); highest among the groups gnomAD compares: Non-Finnish European, 0.0036%; no homozygotes.

Submissions (6):

Labcorp Genetics (formerly Invitae), Labcorp
Classification: Uncertain significance for Charcot-Marie-Tooth disease axonal type 2U; Severe early-onset pulmonary alveolar proteinosis due to MARS deficiency. Last evaluated: 2025-06-29. Review status: criteria provided, single submitter. Criteria: Invitae Variant Classification Sherloc (09022015). Collection method: clinical testing. Allele origin: germline.
Comment: This sequence change replaces phenylalanine, which is neutral and non-polar, with leucine, which is neutral and non-polar, at codon 370 of the MARS protein (p.Phe370Leu). This variant is present in population databases (rs140467171, gnomAD 0.006%). This missense change has been observed in individual(s) with clinical features of MARS-related conditions (PMID: 24103465, 32376792). ClinVar contains an entry for this variant (Variation ID: 68463). An algorithm developed to predict the effect of missense changes on protein structure and function (PolyPhen-2) suggests that this variant is likely to be disruptive. Experimental studies have shown that this missense change affects MARS function (PMID: 24103465). In summary, the available evidence is currently insufficient to determine the role of this variant in disease. Therefore, it has been classified as a Variant of Uncertain Significance.

Ambry Genetics
Classification: Uncertain significance. Last evaluated: 2024-02-16. Review status: criteria provided, single submitter. Criteria: Ambry Variant Classification Scheme 2023. Collection method: clinical testing. Allele origin: germline.
Comment: The p.F370L variant (also known as c.1108T>C), located in coding exon 10 of the MARS gene, results from a T to C substitution at nucleotide position 1108. The phenylalanine at codon 370 is replaced by leucine, an amino acid with highly similar properties. This variant has been reported in one individual suspected of having Charcot-Marie-Tooth disease (Volodarsky M et al. J Med Genet, 2021 Apr;58:284-288). This variant was detected as compound heterozygous finding with another alteration in MARS in one individual whose multi-organ phenotype included lung and liver disease (van Meel E et al. BMC Med Genet, 2013 Oct;14:106). In an in vitro aminoacylation assay, this variant was found to significantly reduce the ability of MARS to couple methionine to its cognate tRNA (van Meel E et al. BMC Med Genet, 2013 Oct;14:106). This amino acid position is highly conserved in available vertebrate species. In addition, this alteration is predicted to be deleterious by in silico analysis. Since supporting evidence is limited at this time, the clinical significance of this alteration remains unclear.

Blueprint Genetics
Classification: Likely pathogenic for MARS-related disorders. Last evaluated: 2023-05-19. Review status: criteria provided, single submitter. Criteria: ACMG Guidelines, 2015. Collection method: clinical testing. Allele origin: germline. Affected: yes. Observed: 1 variant allele.

GeneDx
Classification: Likely pathogenic. Last evaluated: 2017-07-06. Review status: criteria provided, single submitter. Criteria: GeneDx Variant Classification (06012015). Collection method: clinical testing. Allele origin: germline. Affected: yes.
Comment: The F370L variant in the MARS gene has been reported previously, in trans with another missense variant, in an infant with failure to thrive, interstitial lung and liver disease, intermittent lactic acidosis, aminoaciduria, hypothyroidism, and transfusion-dependent anemia and motor delay. Functional studies showed that F370L significantly reduced the ability of MARS to couple methionine to its cognate tRNA, leading to 18% of wild type activity (vanMeel et al., 2013). The F370L variant is not observed at a significant frequency in large population cohorts (Lek et al., 2016; 1000 Genomes Consortium et al., 2015; Exome Variant Server). The F370L variant is a conservative amino acid substitution, which is not likely to impact secondary protein structure as these residues share similar properties. This substitution occurs at a position that is conserved across species. We interpret F370L as a likely pathogenic variant.

Molecular Genetics Laboratory, London Health Sciences Centre
Classification: Uncertain significance for Charcot-Marie-Tooth disease. Review status: criteria provided, single submitter. Criteria: ACMG Guidelines, 2015. Collection method: clinical testing. Allele origin: germline. Affected: yes.

OMIM
Classification: Pathogenic for INTERSTITIAL LUNG AND LIVER DISEASE. Last evaluated: 2013-10-08. Review status: no assertion criteria provided. Collection method: literature only. Allele origin: germline. Not counted in ClinVar's aggregate classification.

Literature cited by the submitters: PubMed 24103465 (cited by 3 submitters); PubMed 32376792 (cited by Labcorp Genetics (formerly Invitae), Labcorp and Ambry Genetics).